The following is an entry in ClinVar:

NM_030962.4(SBF2):c.3428C>T (p.Ser1143Phe)

Genes: SBF2 (SET binding factor 2; minus strand), LOC101928008 (uncharacterized LOC101928008; plus strand). Cytogenetic location: 11p15.4.
Variant type: single nucleotide variant.
Coding change: c.3428C>T on transcript NM_030962.4 (MANE Select); coding-DNA position 3428, C replaced by T.
Protein change: p.Ser1143Phe; replaces serine 1143 with phenylalanine.
Molecular consequence: missense variant.
Genome position (GRCh38, 1-based): chr11:9,839,525, G>A on the plus strand (C>T on the coding strand, the complement: SBF2 is on the minus strand). VCF-style: chr11-9839525-G-A. GRCh37 (hg19) VCF-style: chr11-9861072-G-A.
Other names: c.3428C>T, p.Ser1143Phe (NM_001386339.1); c.3299C>T, p.Ser1100Phe (NM_001386342.1); short protein forms S1143F, S1100F.
Identifiers: ClinVar variation 1358618 (VCV001358618.8), dbSNP rs2133952172, ClinGen allele CA379628460.
Genomic context (GRCh38, chr11:9,839,525, plus strand): 5'-AGACCTCTTTTTGGAGCCCACTGACACACTTACCTCCGGCAGAGTGAATACATCCTGTTG[G>A]AGGCAGTAATTCTAAAATACTCGGGTCTTGAACGGGAAGAGCTGCCACTTATGGTTCCTA-3'
Protein context (NP_112224.1, residues 1133-1153): SRPEYFRITA[Ser1143Phe]NRMYSLCRSY

ClinVar aggregate classification (germline): Uncertain significance (1 of 4 stars; one submission).

Conditions:
Charcot-Marie-Tooth disease type 4. Also called: Charcot-Marie-Tooth disease, type IV; Charcot-Marie-Tooth, Type 4. Identifiers: Orphanet 64749, MedGen C4082197, MONDO:0018995.

Submission:

Labcorp Genetics (formerly Invitae), Labcorp
Classification: Uncertain significance for Charcot-Marie-Tooth disease type 4. Last evaluated: 2021-05-16. Review status: criteria provided, single submitter. Criteria: Invitae Variant Classification Sherloc (09022015). Collection method: clinical testing. Allele origin: germline.
Comment: In summary, the available evidence is currently insufficient to determine the role of this variant in disease. Therefore, it has been classified as a Variant of Uncertain Significance. Algorithms developed to predict the effect of missense changes on protein structure and function (SIFT, PolyPhen-2, Align-GVGD) all suggest that this variant is likely to be tolerated, but these predictions have not been confirmed by published functional studies and their clinical significance is uncertain. This variant has not been reported in the literature in individuals with SBF2-related conditions. This variant is not present in population databases (ExAC no frequency). This sequence change replaces serine with phenylalanine at codon 1143 of the SBF2 protein (p.Ser1143Phe). The serine residue is moderately conserved and there is a large physicochemical difference between serine and phenylalanine.